The following is an entry in ClinVar:

ClinVar aggregate classification (germline): Uncertain significance (1 of 4 stars; one submission).

Submission:

Labcorp Genetics (formerly Invitae), Labcorp
Classification: Uncertain significance. Last evaluated: 2022-02-18. Review status: criteria provided, single submitter. Criteria: Invitae Variant Classification Sherloc (09022015). Collection method: clinical testing. Allele origin: germline.
Comment: This sequence change replaces alanine, which is neutral and non-polar, with valine, which is neutral and non-polar, at codon 78 of the TSFM protein (p.Ala78Val). This variant is not present in population databases (gnomAD no frequency). This variant has not been reported in the literature in individuals affected with TSFM-related conditions. ClinVar contains an entry for this variant (Variation ID: 310009). Algorithms developed to predict the effect of missense changes on protein structure and function (SIFT, PolyPhen-2, Align-GVGD) all suggest that this variant is likely to be disruptive. In summary, the available evidence is currently insufficient to determine the role of this variant in disease. Therefore, it has been classified as a Variant of Uncertain Significance.

NM_005726.6(TSFM):c.233C>T (p.Ala78Val)

Gene: TSFM (Ts translation elongation factor, mitochondrial; plus strand). Cytogenetic location: 12q14.1.
Variant type: single nucleotide variant.
Coding change: c.233C>T on transcript NM_005726.6 (MANE Select); coding-DNA position 233, C replaced by T.
Protein change: p.Ala78Val; replaces alanine 78 with valine.
Molecular consequence: missense variant.
Genome position (GRCh38, 1-based): chr12:57,786,164, C>T. VCF-style: chr12-57786164-C-T. GRCh37 (hg19) VCF-style: chr12-58179947-C-T.
Other names: c.233C>T, p.Ala78Val (NM_001172695.2, NM_001172696.2, NM_001172697.2); short protein forms A78V.
Identifiers: ClinVar variation 310009 (VCV000310009.7), dbSNP rs886049729, ClinGen allele CA10638253.